The following is an entry in ClinVar:

ClinVar aggregate classification (germline): Uncertain significance (1 of 4 stars; one submission).

Allele frequency attached by ClinVar (database versions not stated): ExAC 0.00001; gnomAD 0.00001; gnomAD exomes 0.00001; TOPMed 0.00002.
gnomAD v4.1: 16 of 1,613,960 alleles (0.00099%); highest among the groups gnomAD compares: Non-Finnish European, 0.0014%; no homozygotes.

Submission:

Labcorp Genetics (formerly Invitae), Labcorp
Classification: Uncertain significance. Last evaluated: 2025-12-02. Review status: criteria provided, single submitter. Criteria: Invitae Variant Classification Sherloc (09022015). Collection method: clinical testing. Allele origin: germline.
Comment: This sequence change replaces arginine, which is basic and polar, with tryptophan, which is neutral and slightly polar, at codon 1009 of the FLNB protein (p.Arg1009Trp). This variant is present in population databases (rs760728571, gnomAD 0.006%). This variant has not been reported in the literature in individuals affected with FLNB-related conditions. ClinVar contains an entry for this variant (Variation ID: 2150378). Invitae Evidence Modeling of protein sequence and biophysical properties (such as structural, functional, and spatial information, amino acid conservation, physicochemical variation, residue mobility, and thermodynamic stability) indicates that this missense variant is not expected to disrupt FLNB protein function with a negative predictive value of 95%. In summary, the available evidence is currently insufficient to determine the role of this variant in disease. Therefore, it has been classified as a Variant of Uncertain Significance.

NM_001457.4(FLNB):c.3025C>T (p.Arg1009Trp)

Gene: FLNB (filamin B; plus strand). Cytogenetic location: 3p14.3.
Variant type: single nucleotide variant.
Coding change: c.3025C>T on transcript NM_001457.4 (MANE Select); coding-DNA position 3025, C replaced by T.
Protein change: p.Arg1009Trp; replaces arginine 1009 with tryptophan.
Molecular consequence: missense variant.
Genome position (GRCh38, 1-based): chr3:58,121,402, C>T. VCF-style: chr3-58121402-C-T. GRCh37 (hg19) VCF-style: chr3-58107129-C-T.
Other names: c.3025C>T, p.Arg1009Trp (NM_001164317.2, NM_001164318.2, NM_001164319.2); short protein forms R1009W.
Identifiers: ClinVar variation 2150378 (VCV002150378.4), dbSNP rs760728571, ClinGen allele CA2468303.